The following is an entry in ClinVar:

ClinVar aggregate classification (germline): Uncertain significance. Review status: criteria provided, multiple submitters, no conflicts (2 of 4 stars). 2 submissions from 2 submitters: Uncertain significance (2). Last evaluated 2024-01-08.

Conditions:
Epidermolysis bullosa simplex 5B, with muscular dystrophy (EBS5B). Also called: Epidermolysis bullosa simplex with muscular dystrophy; EPIDERMOLYSIS BULLOSA SIMPLEX AND LIMB-GIRDLE MUSCULAR DYSTROPHY. Identifiers: Orphanet 257, MedGen C2931072, MONDO:0009181, OMIM 226670.
Epidermolysis bullosa simplex 5C, with pyloric atresia (EBS5C). Also called: PLEC-Related Epidermolysis Bullosa with Pyloric Atresia; Epidermolysis bullosa simplex with pyloric atresia; PLEC1-Related Epidermolysis Bullosa with Pyloric Atresia. Identifiers: Orphanet 158684, MedGen C2677349, MONDO:0012807, OMIM 612138.
Autosomal recessive limb-girdle muscular dystrophy type 2Q (LGMDR17). Also called: MUSCULAR DYSTROPHY, LIMB-GIRDLE, AUTOSOMAL RECESSIVE 17. Identifiers: Orphanet 254361, MedGen C3150989, MONDO:0013390, OMIM 613723.
Epidermolysis bullosa simplex with nail dystrophy (EBS5D). Identifiers: MedGen C4225309, MONDO:0014661, OMIM 616487.
Epidermolysis bullosa simplex, Ogna type (EBS5A). Also called: Pidermolysis bullosa simplex 5A, Ogna type; EPIDERMOLYSIS BULLOSA SIMPLEX 5A, OGNA TYPE. Identifiers: Orphanet 79401, MedGen C0432317, MONDO:0007555, OMIM 131950.

Allele frequency attached by ClinVar (database versions not stated): TOPMed below 0.00001; gnomAD exomes 0.00001.
gnomAD v4.1: 7 of 1,611,738 alleles (0.00043%); highest among the groups gnomAD compares: South Asian, 0.0066%; no homozygotes.

Submissions (2):

Revvity Omics, Revvity
Classification: Uncertain significance. Last evaluated: 2024-01-08. Review status: criteria provided, single submitter. Criteria: ACMG Guidelines, 2015. Collection method: clinical testing. Allele origin: germline.

Labcorp Genetics (formerly Invitae), Labcorp
Classification: Uncertain significance for Autosomal recessive limb-girdle muscular dystrophy type 2Q; Epidermolysis bullosa simplex, Ogna type; Epidermolysis bullosa simplex with nail dystrophy; Epidermolysis bullosa simplex 5C, with pyloric atresia; Epidermolysis bullosa simplex 5B, with muscular dystrophy. Last evaluated: 2021-12-23. Review status: criteria provided, single submitter. Criteria: Invitae Variant Classification Sherloc (09022015). Collection method: clinical testing. Allele origin: germline.
Comment: In summary, the available evidence is currently insufficient to determine the role of this variant in disease. Therefore, it has been classified as a Variant of Uncertain Significance. Algorithms developed to predict the effect of sequence changes on RNA splicing suggest that this variant may create or strengthen a splice site. Algorithms developed to predict the effect of missense changes on protein structure and function are either unavailable or do not agree on the potential impact of this missense change (SIFT: "Deleterious"; PolyPhen-2: "Benign"; Align-GVGD: "Class C25"). This variant has not been reported in the literature in individuals affected with PLEC-related conditions. This variant is present in population databases (no rsID available, gnomAD 0.003%). This sequence change replaces lysine, which is basic and polar, with arginine, which is basic and polar, at codon 4460 of the PLEC protein (p.Lys4460Arg).

NM_201384.3(PLEC):c.13298A>G (p.Lys4433Arg)

Gene: PLEC (plectin; minus strand). Cytogenetic location: 8q24.3.
Variant type: single nucleotide variant.
Coding change: c.13298A>G on transcript NM_201384.3 (MANE Select); coding-DNA position 13298, A replaced by G.
Protein change: p.Lys4433Arg; replaces lysine 4433 with arginine.
Molecular consequence: missense variant.
Genome position (GRCh38, 1-based): chr8:143,916,523, T>C on the plus strand (A>G on the coding strand, the complement: PLEC is on the minus strand). VCF-style: chr8-143916523-T-C. GRCh37 (hg19) VCF-style: chr8-144990691-T-C.
Other names: c.13202A>G, p.Lys4401Arg (NM_201381.3); c.13298A>G, p.Lys4433Arg (NM_201382.4); c.13310A>G, p.Lys4437Arg (NM_201383.3); c.13379A>G, p.Lys4460Arg (NM_000445.5); c.9998A>G, p.Lys3333Arg (NM_001410941.1); c.13256A>G, p.Lys4419Arg (NM_201378.4); c.13232A>G, p.Lys4411Arg (NM_201379.3); c.13709A>G, p.Lys4570Arg (NM_201380.4); short protein forms K3333R, K4401R, K4411R, K4419R, K4433R, K4437R, K4460R, K4570R.
Identifiers: ClinVar variation 2415576 (VCV002415576.9), dbSNP rs879967828, ClinGen allele CA187606593.